The following is an entry in ClinVar:

ClinVar aggregate classification (germline): Pathogenic (1 of 4 stars; one submission).

Conditions:
Deficiency of galactokinase. Also called: Galactokinase deficiency with cataracts; GALACTOSEMIA II. Identifiers: Orphanet 352, Orphanet 79237, MedGen C0268155, MONDO:0009255, OMIM 230200.

Submission:

Labcorp Genetics (formerly Invitae), Labcorp
Classification: Pathogenic for Deficiency of galactokinase. Last evaluated: 2025-09-15. Review status: criteria provided, single submitter. Criteria: Invitae Variant Classification Sherloc (09022015). Collection method: clinical testing. Allele origin: germline.
Comment: This sequence change creates a premature translational stop signal (p.Tyr300*) in the GALK1 gene. It is expected to result in an absent or disrupted protein product. Loss-of-function variants in GALK1 are known to be pathogenic (PMID: 7670469, 10790206). This variant is not present in population databases (gnomAD no frequency). This variant has not been reported in the literature in individuals affected with GALK1-related conditions. ClinVar contains an entry for this variant (Variation ID: 2697749). For these reasons, this variant has been classified as Pathogenic.

Literature cited by the submitters: PubMed 7670469; PubMed 10790206.

NM_000154.2(GALK1):c.900_902del (p.Tyr300_Arg301delinsTer)

Gene: GALK1 (galactokinase 1; minus strand). Cytogenetic location: 17q25.1.
Variant type: Deletion.
Coding change: c.900_902del on transcript NM_000154.2 (MANE Select); coding-DNA positions 900 to 902, 3 bases deleted (CAG; older notation c.900_902delCAG).
Protein change: p.Tyr300_Arg301delinsTer.
Molecular consequence: nonsense.
Genome position (GRCh38, 1-based): chr17:75,758,491-75,758,493, CTG deleted on the plus strand (CAG on the coding strand, the reverse complement: GALK1 is on the minus strand). VCF-style (leftmost placement, unchanged base first): chr17-75758490-TCTG-T. GRCh37 (hg19) VCF-style: chr17-73754571-TCTG-T.
Other names: c.900_902del, p.Tyr300_Arg301delinsTer (NM_001381985.1).
Identifiers: ClinVar variation 2697749 (VCV002697749.3), dbSNP rs2545900132, ClinGen allele CA2697555172.
Genomic context (GRCh38, chr17:75,758,490, plus strand): 5'-GGCGCCCAGAGGGCCTCACCTGAGTGAGCGGTGGCTCTCCACCATGAGGCGGCCAAAGGC[TCTG>T]TAGTCGCCACGTCTCAGGGCGGCCGCTGCCTGGGCCGTGCGCCGAATCTCCCCCACCACG-3'